The following is an entry in ClinVar:

NM_007194.4(CHEK2):c.1498T>A (p.Ser500Thr)

Gene: CHEK2 (checkpoint kinase 2; minus strand). Cytogenetic location: 22q12.1.
Variant type: single nucleotide variant.
Coding change: c.1498T>A on transcript NM_007194.4 (MANE Select); coding-DNA position 1498, T replaced by A.
Protein change: p.Ser500Thr; replaces serine 500 with threonine.
Molecular consequence: missense variant.
Genome position (GRCh38, 1-based): chr22:28,689,179, A>T on the plus strand (T>A on the coding strand, the complement: CHEK2 is on the minus strand). VCF-style: chr22-28689179-A-T. GRCh37 (hg19) VCF-style: chr22-29085167-A-T.
Other names: c.835T>A, p.Ser279Thr (NM_001257387.3); c.1297T>A, p.Ser433Thr (NM_001349956.3); c.1411T>A, p.Ser471Thr (NM_145862.3); c.1627T>A, p.Ser543Thr (NM_001005735.3); c.1498T>A (NM_007194.3); short protein forms S279T, S471T, S543T, S433T, S500T.
Identifiers: ClinVar variation 2809214 (VCV002809214.4), dbSNP rs2145749703, ClinGen allele CA411092444.
Genomic context (GRCh38, chr22:28,689,179, plus strand): 5'-TCAGGAATACGAATACCTGGGCTAGAACCTGGGGTAGAGCTGTGGATTCATTTTCCTCAG[A>T]CAGAAGATCTTGAAACTTTCTCTTCATGTCTTCATCCTGTGAGGGAATTAAAAACATAAG-3'
Protein context (NP_009125.1, residues 490-510): DMKRKFQDLL[Ser500Thr]EENESTALPQ

ClinVar aggregate classification (germline): Uncertain significance. Review status: criteria provided, multiple submitters, no conflicts (2 of 4 stars). 2 submissions from 2 submitters: Uncertain significance (2). Last evaluated 2025-11-30.

Conditions:
Hereditary cancer-predisposing syndrome. Also called: Tumor predisposition; Hereditary Cancer Syndrome; Hereditary neoplastic syndrome; Neoplastic Syndromes, Hereditary. Identifiers: Orphanet 140162, MedGen C0027672, MeSH D009386, MONDO:0015356.
Familial cancer of breast. Also called: BREAST CANCER, FAMILIAL; hereditary breast carcinoma; Hereditary breast cancer. Identifiers: Orphanet 227535, MedGen C0346153, MONDO:0016419, OMIM 114480. Disease mechanism: loss of function.

Allele frequency attached by ClinVar (database versions not stated): gnomAD exomes below 0.00001.
gnomAD v4.1: 1 of 1,595,148 alleles (0.000063%); highest among the groups gnomAD compares: Non-Finnish European, 0.000085%; no homozygotes.

Submissions (2):

Ambry Genetics
Classification: Uncertain significance for Hereditary cancer-predisposing syndrome. Last evaluated: 2025-11-30. Review status: criteria provided, single submitter. Criteria: Ambry Variant Classification Scheme 2023. Collection method: clinical testing. Allele origin: germline.
Comment: The p.S500T variant (also known as c.1498T>A), located in coding exon 13 of the CHEK2 gene, results from a T to A substitution at nucleotide position 1498. The serine at codon 500 is replaced by threonine, an amino acid with similar properties. This amino acid position is conserved. In addition, this alteration is predicted to be tolerated by in silico analysis. Based on the available evidence, the clinical significance of this variant remains unclear.

Labcorp Genetics (formerly Invitae), Labcorp
Classification: Uncertain significance for Familial cancer of breast. Last evaluated: 2023-08-02. Review status: criteria provided, single submitter. Criteria: Invitae Variant Classification Sherloc (09022015). Collection method: clinical testing. Allele origin: germline.
Comment: In summary, the available evidence is currently insufficient to determine the role of this variant in disease. Therefore, it has been classified as a Variant of Uncertain Significance. An algorithm developed to predict the effect of missense changes on protein structure and function (PolyPhen-2) suggests that this variant is likely to be tolerated. This variant has not been reported in the literature in individuals affected with CHEK2-related conditions. This variant is not present in population databases (gnomAD no frequency). This sequence change replaces serine, which is neutral and polar, with threonine, which is neutral and polar, at codon 500 of the CHEK2 protein (p.Ser500Thr).